The following is an entry in ClinVar:

ClinVar aggregate classification (germline): Uncertain significance. Review status: criteria provided, multiple submitters, no conflicts (2 of 4 stars). 2 submissions from 2 submitters: Uncertain significance (2). Last evaluated 2023-10-05.

Conditions:
Neurofibromatosis, type 1 (NF1). Also called: Peripheral type neurofibromatosis; NEUROFIBROMATOSIS, TYPE I, SOMATIC; Neurofibromatosis, type I; VON RECKLINGHAUSEN DISEASE. Identifiers: Orphanet 636, MedGen C0027831, MONDO:0018975, OMIM 162200. Disease mechanism: loss of function.
Cardiovascular phenotype. Identifiers: MedGen CN230736.
Hereditary cancer-predisposing syndrome. Also called: Hereditary Cancer Syndrome; Neoplastic Syndromes, Hereditary; Hereditary neoplastic syndrome; Tumor predisposition. Identifiers: Orphanet 140162, MedGen C0027672, MeSH D009386, MONDO:0015356.

Submissions (2):

Ambry Genetics
Classification: Uncertain significance for Cardiovascular phenotype; Hereditary cancer-predisposing syndrome. Last evaluated: 2023-10-05. Review status: criteria provided, single submitter. Criteria: Ambry Variant Classification Scheme 2023. Collection method: clinical testing. Allele origin: germline.
Comment: The c.5546+4G>A intronic variant results from a G to A substitution 4 nucleotides after coding exon 37 in the NF1 gene. This nucleotide position is not well conserved in available vertebrate species. In silico splice site analysis predicts that this alteration will not have any significant effect on splicing. Since supporting evidence is limited at this time, the clinical significance of this alteration remains unclear.

Labcorp Genetics (formerly Invitae), Labcorp
Classification: Uncertain significance for Neurofibromatosis, type 1. Last evaluated: 2022-04-11. Review status: criteria provided, single submitter. Criteria: Invitae Variant Classification Sherloc (09022015). Collection method: clinical testing. Allele origin: germline.
Comment: This variant has not been reported in the literature in individuals affected with NF1-related conditions. In summary, the available evidence is currently insufficient to determine the role of this variant in disease. Therefore, it has been classified as a Variant of Uncertain Significance. Variants that disrupt the consensus splice site are a relatively common cause of aberrant splicing (PMID: 17576681, 9536098). Algorithms developed to predict the effect of sequence changes on RNA splicing suggest that this variant is not likely to affect RNA splicing. This variant is not present in population databases (gnomAD no frequency). This sequence change falls in intron 37 of the NF1 gene. It does not directly change the encoded amino acid sequence of the NF1 protein. It affects a nucleotide within the consensus splice site.

Literature cited by the submitters: PubMed 17576681 (cited by Labcorp Genetics (formerly Invitae), Labcorp); PubMed 9536098 (cited by Labcorp Genetics (formerly Invitae), Labcorp).

NM_001042492.3(NF1):c.5609+4G>A

Gene: NF1 (neurofibromin 1; plus strand). Cytogenetic location: 17q11.2.
Variant type: single nucleotide variant.
Coding change: c.5609+4G>A on transcript NM_001042492.3 (MANE Select); 4 bases into the intron after coding-DNA position 5609, G replaced by A.
Molecular consequence: intron variant.
Genome position (GRCh38, 1-based): chr17:31,327,843, G>A. VCF-style: chr17-31327843-G-A. GRCh37 (hg19) VCF-style: chr17-29654861-G-A.
Other names: c.5546+4G>A (NM_000267.4).
Identifiers: ClinVar variation 2124984 (VCV002124984.5), dbSNP rs2069386889, ClinGen allele CA2580093350.